The following is an entry in ClinVar:

ClinVar aggregate classification (germline): Likely benign (1 of 4 stars; one submission).

Conditions:
Hereditary diffuse gastric adenocarcinoma (HDGC). Also called: DIFFUSE GASTRIC AND LOBULAR BREAST CANCER SYNDROME. Identifiers: Orphanet 26106, MedGen C1708349, MONDO:0007648, OMIM 137215.

Submission:

Myriad Genetics, Inc.
Classification: Likely benign for Hereditary diffuse gastric adenocarcinoma. Last evaluated: 2024-09-20. Review status: criteria provided, single submitter. Criteria: Myriad Autosomal Dominant, Autosomal Recessive and X-Linked Classification Criteria (2023). Collection method: clinical testing. Allele origin: unknown.
Comment: This variant is considered likely benign. This variant is intronic and is not expected to impact mRNA splicing.

NM_004360.5(CDH1):c.1937-7T>C

Gene: CDH1 (cadherin 1; plus strand). Cytogenetic location: 16q22.1.
Variant type: single nucleotide variant.
Coding change: c.1937-7T>C on transcript NM_004360.5 (MANE Select); 7 bases into the intron before coding-DNA position 1937, T replaced by C.
Molecular consequence: intron variant.
Genome position (GRCh38, 1-based): chr16:68,823,392, T>C. VCF-style: chr16-68823392-T-C. GRCh37 (hg19) VCF-style: chr16-68857295-T-C.
Other names: c.389-7T>C (NM_001317185.2); c.-29-7T>C (NM_001317186.2); c.1754-7T>C (NM_001317184.2).
Identifiers: ClinVar variation 3378532 (VCV003378532.1).